The following is an entry in ClinVar:

ClinVar aggregate classification (germline): Uncertain significance (1 of 4 stars; one submission).

Submission:

Labcorp Genetics (formerly Invitae), Labcorp
Classification: Uncertain significance. Last evaluated: 2024-04-15. Review status: criteria provided, single submitter. Criteria: Invitae Variant Classification Sherloc (09022015). Collection method: clinical testing. Allele origin: germline.
Comment: This sequence change replaces alanine, which is neutral and non-polar, with valine, which is neutral and non-polar, at codon 19 of the RIPPLY2 protein (p.Ala19Val). This variant is not present in population databases (gnomAD no frequency). This variant has not been reported in the literature in individuals affected with RIPPLY2-related conditions. Algorithms developed to predict the effect of missense changes on protein structure and function output the following: SIFT: "Not Available"; PolyPhen-2: "Benign"; Align-GVGD: "Not Available". The valine amino acid residue is found in multiple mammalian species, which suggests that this missense change does not adversely affect protein function. In summary, the available evidence is currently insufficient to determine the role of this variant in disease. Therefore, it has been classified as a Variant of Uncertain Significance.

NM_001009994.3(RIPPLY2):c.56C>T (p.Ala19Val)

Genes: RIPPLY2 (ripply transcriptional repressor 2; plus strand), RIPPLY2-CYB5R4 (RIPPLY2-CYB5R4 readthrough; plus strand). Cytogenetic location: 6q14.2.
Variant type: single nucleotide variant.
Coding change: c.56C>T on transcript NM_001009994.3 (MANE Select); coding-DNA position 56, C replaced by T.
Protein change: p.Ala19Val; replaces alanine 19 with valine.
Molecular consequence: missense variant. On other transcripts: non-coding transcript variant (1).
Genome position (GRCh38, 1-based): chr6:83,853,472, C>T. VCF-style: chr6-83853472-C-T. GRCh37 (hg19) VCF-style: chr6-84563191-C-T.
Other names: c.56C>T, p.Ala19Val (NM_001400900.1); short protein forms A19V.
Identifiers: ClinVar variation 3697167 (VCV003697167.2).